The following is an entry in ClinVar:

ClinVar aggregate classification (germline): Uncertain significance (1 of 4 stars; one submission).

Allele frequency attached by ClinVar (database versions not stated): gnomAD 0.00001.

Submission:

Labcorp Genetics (formerly Invitae), Labcorp
Classification: Uncertain significance. Last evaluated: 2021-09-21. Review status: criteria provided, single submitter. Criteria: Invitae Variant Classification Sherloc (09022015). Collection method: clinical testing. Allele origin: germline.
Comment: Variants that disrupt the consensus splice site are a relatively common cause of aberrant splicing (PMID: 17576681, 9536098). Algorithms developed to predict the effect of sequence changes on RNA splicing suggest that this variant is not likely to affect RNA splicing. In summary, the available evidence is currently insufficient to determine the role of this variant in disease. Therefore, it has been classified as a Variant of Uncertain Significance. This sequence change falls in intron 9 of the MCM4 gene. It does not directly change the encoded amino acid sequence of the MCM4 protein. It affects a nucleotide within the consensus splice site of the intron. This variant is not present in population databases (ExAC no frequency). This variant has not been reported in the literature in individuals affected with MCM4-related conditions.

Literature cited by the submitters: PubMed 17576681; PubMed 9536098.

NM_182746.3(MCM4):c.1175-3C>T

Gene: MCM4 (minichromosome maintenance complex component 4; plus strand). Cytogenetic location: 8q11.21.
Variant type: single nucleotide variant.
Coding change: c.1175-3C>T on transcript NM_182746.3 (MANE Select); 3 bases into the intron before coding-DNA position 1175, C replaced by T.
Molecular consequence: intron variant.
Genome position (GRCh38, 1-based): chr8:47,969,795, C>T. VCF-style: chr8-47969795-C-T. GRCh37 (hg19) VCF-style: chr8-48882355-C-T.
Other names: c.1175-3C>T (NM_005914.4).
Identifiers: ClinVar variation 1444946 (VCV001444946.6), dbSNP rs2090934593, ClinGen allele CA1113544867.
Genomic context (GRCh38, chr8:47,969,795, plus strand): 5'-TTGCTGAGCCACTCGGAGGAAGATATGGGAAGGTAAAAGTGCATCTCCTGGTTGTGCCCT[C>T]AGGCATCTATCGAGCTGTGCCTATTCGAGTCAATCCAAGAGTGAGTAATGTGAAGTCTGT-3'